The following is an entry in ClinVar:

NM_013335.4(GMPPA):c.1105A>G (p.Met369Val)

Genes: ASIC4-AS1 (ASIC4 antisense RNA 1; minus strand), GMPPA (GDP-mannose pyrophosphorylase A; plus strand). Cytogenetic location: 2q35.
Variant type: single nucleotide variant.
Coding change: c.1105A>G on transcript NM_013335.4 (MANE Select); coding-DNA position 1105, A replaced by G.
Protein change: p.Met369Val; replaces methionine 369 with valine.
Molecular consequence: missense variant.
Genome position (GRCh38, 1-based): chr2:219,506,365, A>G. VCF-style: chr2-219506365-A-G. GRCh37 (hg19) VCF-style: chr2-220371087-A-G.
Other names: c.1105A>G, p.Met369Val (NM_001374294.1, NM_001374295.1, NM_205847.3); short protein forms M369V.
Identifiers: ClinVar variation 2045529 (VCV002045529.5), dbSNP rs200549556, ClinGen allele CA2128425.
Genomic context (GRCh38, chr2:219,506,365, plus strand): 5'-CGCTGGGCCCGCGTGGAGGGTACCCCCAGTGACCCTAACCCCAACGATCCCCGAGCCCGC[A>G]TGGACAGTGAGAGCCTCTTCAAGGACGGGAAGCTGCTGCCTGCTATCACCATCCTGGGTA-3'
Protein context (NP_037467.2, residues 359-379): DPNPNDPRAR[Met369Val]DSESLFKDGK

ClinVar aggregate classification (germline): Uncertain significance. Review status: criteria provided, multiple submitters, no conflicts (2 of 4 stars). 2 submissions from 2 submitters: Uncertain significance (2). Last evaluated 2023-04-17.

Conditions:
Alacrima, achalasia, and impaired intellectual development syndrome. Also called: Alacrima, achalasia, and mental retardation syndrome; Alacrima, achalasia, and intellectual disability syndrome. Identifiers: Orphanet 869, MedGen C4706563, MONDO:0014219, OMIM 615510.
Inborn genetic diseases. Identifiers: MedGen C0950123, MeSH D030342.

Allele frequency attached by ClinVar (database versions not stated): TOPMed 0.00021; ESP Exome Variant Server 0.00015; gnomAD 0.00025; ExAC 0.00011.
gnomAD v4.1: 484 of 1,613,732 alleles (0.03%); highest among the groups gnomAD compares: Non-Finnish European, 0.039%; no homozygotes.

Submissions (2):

Labcorp Genetics (formerly Invitae), Labcorp
Classification: Uncertain significance for Alacrima, achalasia, and impaired intellectual development syndrome. Last evaluated: 2023-04-17. Review status: criteria provided, single submitter. Criteria: Invitae Variant Classification Sherloc (09022015). Collection method: clinical testing. Allele origin: germline.
Comment: This variant has not been reported in the literature in individuals affected with GMPPA-related conditions. In summary, the available evidence is currently insufficient to determine the role of this variant in disease. Therefore, it has been classified as a Variant of Uncertain Significance. An algorithm developed to predict the effect of missense changes on protein structure and function (PolyPhen-2) suggests that this variant is likely to be tolerated. ClinVar contains an entry for this variant (Variation ID: 2045529). This variant is present in population databases (rs200549556, gnomAD 0.04%). This sequence change replaces methionine, which is neutral and non-polar, with valine, which is neutral and non-polar, at codon 369 of the GMPPA protein (p.Met369Val).

Ambry Genetics
Classification: Uncertain significance for Inborn genetic diseases. Last evaluated: 2021-10-06. Review status: criteria provided, single submitter. Criteria: Ambry Variant Classification Scheme 2023. Collection method: clinical testing. Allele origin: germline.